The following is an entry in ClinVar:

NM_000632.4(ITGAM):c.706C>T (p.Arg236Ter)

Genes: ITGAM (integrin subunit alpha M; plus strand), LOC126862332 (BRD4-independent group 4 enhancer GRCh37_chr16:31284654-31285853; plus strand). Cytogenetic location: 16p11.2.
Variant type: single nucleotide variant.
Coding change: c.706C>T on transcript NM_000632.4 (MANE Select); coding-DNA position 706, C replaced by T.
Protein change: p.Arg236Ter; replaces arginine 236 with a stop codon.
Molecular consequence: nonsense.
Genome position (GRCh38, 1-based): chr16:31,273,366, C>T. VCF-style: chr16-31273366-C-T. GRCh37 (hg19) VCF-style: chr16-31284687-C-T.
Other names: c.706C>T, p.Arg236Ter (NM_001145808.2); short protein forms R236*.
Identifiers: ClinVar variation 2998828 (VCV002998828.3), dbSNP rs1030683453, ClinGen allele CA280604941.
Genomic context (GRCh38, chr16:31,273,366, plus strand): 5'-AAAAAAACTAGTGTGTCATCTACTTGCATTTGACTTTGTCCCTCCTGTTTCCTGCACAGA[C>T]GAGAGCTGTTTAACATCACCAACGGAGCCCGAAAGAATGCCTTTAAGATCCTAGTTGTCA-3'

ClinVar aggregate classification (germline): Uncertain significance (1 of 4 stars; one submission).

Allele frequency attached by ClinVar (database versions not stated): gnomAD 0.00001; TOPMed 0.00002.
gnomAD v4.1: 11 of 1,612,936 alleles (0.00068%); highest among the groups gnomAD compares: South Asian, 0.0011%; no homozygotes.

Submission:

Labcorp Genetics (formerly Invitae), Labcorp
Classification: Uncertain significance. Last evaluated: 2026-01-04. Review status: criteria provided, single submitter. Criteria: Invitae Variant Classification Sherloc (09022015). Collection method: clinical testing. Allele origin: germline.
Comment: This sequence change creates a premature translational stop signal (p.Arg236*) in the ITGAM gene. It is expected to result in an absent or disrupted protein product. However, the current clinical and genetic evidence is not sufficient to establish whether loss-of-function variants in ITGAM cause disease. This variant is not present in population databases (gnomAD no frequency). This variant has not been reported in the literature in individuals affected with ITGAM-related conditions. ClinVar contains an entry for this variant (Variation ID: 2998828). In summary, the available evidence is currently insufficient to determine the role of this variant in disease. Therefore, it has been classified as a Variant of Uncertain Significance.